The following is an entry in ClinVar:

NM_004523.4(KIF11):c.1505C>T (p.Thr502Ile)

Gene: KIF11 (kinesin family member 11; plus strand). Cytogenetic location: 10q23.33.
Variant type: single nucleotide variant.
Coding change: c.1505C>T on transcript NM_004523.4 (MANE Select); coding-DNA position 1505, C replaced by T.
Protein change: p.Thr502Ile; replaces threonine 502 with isoleucine.
Molecular consequence: missense variant.
Genome position (GRCh38, 1-based): chr10:92,632,496, C>T. VCF-style: chr10-92632496-C-T. GRCh37 (hg19) VCF-style: chr10-94392253-C-T.
Other names: short protein forms T502I.
Identifiers: ClinVar variation 1958513 (VCV001958513.5), dbSNP rs2492519137, ClinGen allele CA377592052.

ClinVar aggregate classification (germline): Uncertain significance (1 of 4 stars; one submission).

Submission:

Labcorp Genetics (formerly Invitae), Labcorp
Classification: Uncertain significance. Last evaluated: 2022-05-20. Review status: criteria provided, single submitter. Criteria: Invitae Variant Classification Sherloc (09022015). Collection method: clinical testing. Allele origin: germline.
Comment: This sequence change replaces threonine, which is neutral and polar, with isoleucine, which is neutral and non-polar, at codon 502 of the KIF11 protein (p.Thr502Ile). In summary, the available evidence is currently insufficient to determine the role of this variant in disease. Therefore, it has been classified as a Variant of Uncertain Significance. Algorithms developed to predict the effect of missense changes on protein structure and function (SIFT, PolyPhen-2, Align-GVGD) all suggest that this variant is likely to be disruptive. This variant has not been reported in the literature in individuals affected with KIF11-related conditions. This variant is not present in population databases (gnomAD no frequency).